The following is an entry in ClinVar:

NM_000089.4(COL1A2):c.2515C>G (p.Pro839Ala)

Gene: COL1A2 (collagen type I alpha 2 chain; plus strand). Cytogenetic location: 7q21.3.
Variant type: single nucleotide variant.
Coding change: c.2515C>G on transcript NM_000089.4 (MANE Select); coding-DNA position 2515, C replaced by G.
Protein change: p.Pro839Ala; replaces proline 839 with alanine.
Molecular consequence: missense variant.
Genome position (GRCh38, 1-based): chr7:94,423,068, C>G. VCF-style: chr7-94423068-C-G. GRCh37 (hg19) VCF-style: chr7-94052380-C-G.
Other names: short protein forms P839A.
Identifiers: ClinVar variation 5017287 (VCV005017287.1).

ClinVar aggregate classification (germline): Uncertain significance (1 of 4 stars; one submission).

Submission:

GeneDx
Classification: Uncertain significance. Last evaluated: 2026-03-24. Review status: criteria provided, single submitter. Criteria: GeneDx Variant Classification Process June 2021. Collection method: clinical testing. Allele origin: germline.
Comment: Not observed at significant frequency in large population cohorts (gnomAD); In silico analysis supports that this missense variant has a deleterious effect on protein structure/function; Occurs in the triple helical domain at the X position in the canonical Gly-X-Y repeat; although this variant may have an effect on normal protein folding and function, missense substitution at the X position is not a common mechanism of disease (HGMD); Has not been previously published as pathogenic or benign to our knowledge